The following is an entry in ClinVar:

ClinVar aggregate classification (germline): Uncertain significance (1 of 4 stars; one submission).

Submission:

GeneDx
Classification: Uncertain significance. Last evaluated: 2025-10-11. Review status: criteria provided, single submitter. Criteria: GeneDx Variant Classification Process June 2021. Collection method: clinical testing. Allele origin: germline.
Comment: Not observed at significant frequency in large population cohorts (gnomAD); In silico analysis supports that this missense variant has a deleterious effect on protein structure/function; Has not been previously published as pathogenic or benign to our knowledge

NM_002662.5(PLD1):c.1078G>A (p.Gly360Arg)

Gene: PLD1 (phospholipase D1; minus strand). Cytogenetic location: 3q26.31.
Variant type: single nucleotide variant.
Coding change: c.1078G>A on transcript NM_002662.5 (MANE Select); coding-DNA position 1078, G replaced by A.
Protein change: p.Gly360Arg; replaces glycine 360 with arginine.
Molecular consequence: missense variant.
Genome position (GRCh38, 1-based): chr3:171,708,822, C>T on the plus strand (G>A on the coding strand, the complement: PLD1 is on the minus strand). VCF-style: chr3-171708822-C-T. GRCh37 (hg19) VCF-style: chr3-171426612-C-T.
Other names: c.1078G>A, p.Gly360Arg (NM_001130081.3); short protein forms G360R.
Identifiers: ClinVar variation 3392611 (VCV003392611.2).